The following is an entry in ClinVar:

NM_000246.4(CIITA):c.3175G>A (p.Val1059Met)

Gene: CIITA (class II major histocompatibility complex transactivator; plus strand). Cytogenetic location: 16p13.13.
Variant type: single nucleotide variant.
Coding change: c.3175G>A on transcript NM_000246.4 (MANE Select); coding-DNA position 3175, G replaced by A.
Protein change: p.Val1059Met; replaces valine 1059 with methionine.
Molecular consequence: missense variant. On other transcripts: non-coding transcript variant (1).
Genome position (GRCh38, 1-based): chr16:10,922,192, G>A. VCF-style: chr16-10922192-G-A. GRCh37 (hg19) VCF-style: chr16-11016049-G-A.
Other names: c.3178G>A, p.Val1060Met (NM_001286402.1, NM_001379332.1); c.1423G>A, p.Val475Met (NM_001286403.2); c.3031G>A, p.Val1011Met (NM_001379330.1); c.3028G>A, p.Val1010Met (NM_001379331.1); c.3175G>A, p.Val1059Met (NM_001379333.1); c.3106G>A, p.Val1036Met (NM_001379334.1); short protein forms V1060M, V1059M, V475M, V1010M, V1011M, V1036M.
Identifiers: ClinVar variation 647933 (VCV000647933.8), dbSNP rs200742204, ClinGen allele CA7900716.

ClinVar aggregate classification (germline): Conflicting classifications of pathogenicity. Review status: criteria provided, conflicting classifications (1 of 4 stars). 5 submissions from 5 submitters: Uncertain significance (2); Likely benign (2). 1 of the submissions does not count toward it. Last evaluated 2024-11-26.

Conditions:
Inborn genetic diseases. Identifiers: MedGen C0950123, MeSH D030342.
MHC class II deficiency. Also called: BLS, TYPE II; Bare lymphocyte syndrome 2. Identifiers: Orphanet 572, MedGen C5447452, MONDO:0008855.

Allele frequency attached by ClinVar (database versions not stated): gnomAD 0.00006; ESP Exome Variant Server 0.00008; TOPMed 0.00013; 1000 Genomes Project 0.00020; ExAC 0.00021; gnomAD exomes 0.00022; 1000 Genomes Project 30x 0.00031.

Submissions (5):

Blueprint Genetics
Classification: Likely benign. Last evaluated: 2024-11-26. Review status: criteria provided, single submitter. Criteria: ACMG Guidelines, 2015. Collection method: clinical testing. Allele origin: germline.

Labcorp Genetics (formerly Invitae), Labcorp
Classification: Uncertain significance for MHC class II deficiency. Last evaluated: 2022-08-23. Review status: criteria provided, single submitter. Criteria: Invitae Variant Classification Sherloc (09022015). Collection method: clinical testing. Allele origin: germline.
Comment: This sequence change replaces valine, which is neutral and non-polar, with methionine, which is neutral and non-polar, at codon 1059 of the CIITA protein (p.Val1059Met). This variant is present in population databases (rs200742204, gnomAD 0.05%). This variant has not been reported in the literature in individuals affected with CIITA-related conditions. ClinVar contains an entry for this variant (Variation ID: 647933). Algorithms developed to predict the effect of missense changes on protein structure and function output the following: SIFT: "Tolerated"; PolyPhen-2: "Benign"; Align-GVGD: "Class C0". The methionine amino acid residue is found in multiple mammalian species, which suggests that this missense change does not adversely affect protein function. In summary, the available evidence is currently insufficient to determine the role of this variant in disease. Therefore, it has been classified as a Variant of Uncertain Significance.

Ambry Genetics
Classification: Likely benign for Inborn genetic diseases. Last evaluated: 2021-07-27. Review status: criteria provided, single submitter. Criteria: Ambry Variant Classification Scheme 2023. Collection method: clinical testing. Allele origin: germline.

Breakthrough Genomics
Classification: Uncertain significance. Review status: criteria provided, single submitter. Criteria: ACMG Guidelines, 2015. Collection method: not provided. Allele origin: germline. Inheritance: Autosomal recessive inheritance. Affected: yes.

Natera, Inc.
Classification: Likely benign for Bare lymphocyte syndrome type II. Last evaluated: 2020-04-24. Review status: no assertion criteria provided. Collection method: clinical testing. Allele origin: germline. Not counted in ClinVar's aggregate classification.